The following is an entry in ClinVar:

ClinVar aggregate classification (germline): Pathogenic/Likely pathogenic. Review status: criteria provided, multiple submitters, no conflicts (2 of 4 stars). 6 submissions from 6 submitters: Pathogenic (5); Likely pathogenic (1). Last evaluated 2025-06-23.

Conditions:
Hereditary nonpolyposis colon cancer (HNPCC). Also called: Hereditary nonpolyposis colorectal cancer; Familial nonpolyposis colon cancer; Hereditary Nonpolyposis Colorectal Cancer Syndrome. Identifiers: Orphanet 443909, MedGen C1333990, MONDO:0018630. Disease mechanism: loss of function.
Hereditary nonpolyposis colorectal neoplasms. Identifiers: MedGen C0009405, MeSH D003123.
Hereditary cancer-predisposing syndrome. Also called: Hereditary neoplastic syndrome; Neoplastic Syndromes, Hereditary; Tumor predisposition; Hereditary Cancer Syndrome. Identifiers: Orphanet 140162, MedGen C0027672, MeSH D009386, MONDO:0015356.
Lynch syndrome 5 (LYNCH5). Also called: Hereditary non-polyposis colorectal cancer, type 5; Colorectal cancer, hereditary nonpolyposis, type 5. Identifiers: Orphanet 144, MedGen C1833477, MONDO:0013710, OMIM 614350. Disease mechanism: loss of function.
Endometrial carcinoma. Also called: Endometrial carcinoma, somatic. Identifiers: MedGen C0476089, MONDO:0002447, OMIM 608089, HP:0012114.

Submissions (6):

Labcorp Genetics (formerly Invitae), Labcorp
Classification: Pathogenic for Hereditary nonpolyposis colorectal neoplasms. Last evaluated: 2025-06-23. Review status: criteria provided, single submitter. Criteria: Invitae Variant Classification Sherloc (09022015). Collection method: clinical testing. Allele origin: germline.
Comment: This sequence change creates a premature translational stop signal (p.Pro591Glnfs*19) in the MSH6 gene. It is expected to result in an absent or disrupted protein product. Loss-of-function variants in MSH6 are known to be pathogenic (PMID: 18269114, 24362816). This variant is present in population databases (rs768876235, gnomAD 0.0009%). This premature translational stop signal has been observed in individual(s) with clinical features of MSH6-related conditions (PMID: 10612827). ClinVar contains an entry for this variant (Variation ID: 185350). For these reasons, this variant has been classified as Pathogenic.

Ambry Genetics
Classification: Pathogenic for Hereditary cancer-predisposing syndrome. Last evaluated: 2024-07-30. Review status: criteria provided, single submitter. Criteria: Ambry Variant Classification Scheme 2023. Collection method: clinical testing. Allele origin: germline.
Comment: The c.1772delC pathogenic mutation, located in coding exon 4 of the MSH6 gene, results from a deletion of one nucleotide at nucleotide position 1772, causing a translational frameshift with a predicted alternate stop codon (p.P591Qfs*19). This mutation has been identified in a patient undergoing multi-gene panel testing for a personal and/or family history of cancer (Espenschied CR et al. J Clin Oncol, 2017 Aug;35:2568-2575). In addition to the clinical data presented in the literature, this alteration is expected to result in loss of function by premature protein truncation or nonsense-mediated mRNA decay. As such, this alteration is interpreted as a disease-causing mutation.

Myriad Genetics, Inc.
Classification: Pathogenic for Lynch syndrome 5. Last evaluated: 2023-08-15. Review status: criteria provided, single submitter. Criteria: Myriad Autosomal Dominant, Autosomal Recessive and X-Linked Classification Criteria (2023). Collection method: clinical testing. Allele origin: unknown.
Comment: This variant is considered pathogenic. This variant creates a frameshift predicted to result in premature protein truncation.

Baylor Genetics
Classification: Pathogenic for Endometrial carcinoma. Last evaluated: 2023-03-24. Review status: criteria provided, single submitter. Criteria: ACMG Guidelines, 2015. Collection method: clinical testing. Allele origin: unknown.

Women's Health and Genetics/Laboratory Corporation of America, LabCorp
Classification: Likely pathogenic for Hereditary nonpolyposis colon cancer. Last evaluated: 2023-01-09. Review status: criteria provided, single submitter. Criteria: LabCorp Variant Classification Summary - May 2015. Collection method: clinical testing. Allele origin: germline.
Comment: Variant summary: MSH6 c.1772delC (p.Pro591GlnfsX19) results in a premature termination codon, predicted to cause a truncation of the encoded protein or absence of the protein due to nonsense mediated decay, which are commonly known mechanisms for disease. Truncations downstream of this position have been classified as pathogenic by our laboratory. The variant allele was found at a frequency of 4e-06 in 250300 control chromosomes. The available data on variant occurrences in the general population are insufficient to allow any conclusion about variant significance. c.1772delC has been reported in the literature in at least one individual affected with endometrial cancer (e.g., Lu_2015). To our knowledge, no experimental evidence demonstrating an impact on protein function has been reported. Three ClinVar submitters (evaluation after 2014) have cited the variant, and all laboratories classified the variant as pathogenic. Based on the evidence outlined above, the variant was classified as likely pathogenic.

MGZ Medical Genetics Center
Classification: Pathogenic for Lynch syndrome 5. Last evaluated: 2022-05-19. Review status: criteria provided, single submitter. Criteria: ACMG Guidelines, 2015. Collection method: clinical testing. Allele origin: germline. Affected: yes. Observed: 1 variant allele.
Comment: ACMG criteria applied: PVS1, PS4_SUP, PM2_SUP

Literature cited by the submitters: PubMed 18269114 (cited by Labcorp Genetics (formerly Invitae), Labcorp); PubMed 24362816 (cited by Labcorp Genetics (formerly Invitae), Labcorp); PubMed 10612827 (cited by Labcorp Genetics (formerly Invitae), Labcorp); PubMed 28514183 (cited by Ambry Genetics and Women's Health and Genetics/Laboratory Corporation of America, LabCorp); PubMed 26689913 (cited by Women's Health and Genetics/Laboratory Corporation of America, LabCorp).

NM_000179.3(MSH6):c.1772del (p.Pro591fs)

Gene: MSH6 (mutS homolog 6; plus strand). Cytogenetic location: 2p16.3.
Variant type: Deletion.
Coding change: c.1772del on transcript NM_000179.3 (MANE Select); coding-DNA position 1772, one base deleted (C; older notation c.1772delC).
Protein change: p.Pro591fs; shifts the reading frame from proline 591.
Molecular consequence: frameshift variant.
Genome position (GRCh38, 1-based): chr2:47,799,755, C deleted; the last of 5 consecutive C bases (chr2:47,799,751-47,799,755); deleting any one gives the same sequence. VCF-style (leftmost placement, unchanged base first): chr2-47799750-TC-T. GRCh37 (hg19) VCF-style: chr2-48026889-TC-T.
Other names: c.1382del, p.Pro461fs (NM_001281492.2); c.866del, p.Pro289fs (NM_001281493.2, NM_001281494.2); c.1772delC (NM_000179.2); short protein forms P289fs, P591fs, P461fs.
Identifiers: ClinVar variation 185350 (VCV000185350.23), dbSNP rs786202108, ClinGen allele CA009171.
Genomic context (GRCh38, chr2:47,799,750, plus strand): 5'-CATAGGTCAGTTTTCAGATGATCGCCATTGTTCGAGATTTAGGACTCTAGTGGCACACTA[TC>T]CCCCAGTACAAGTTTTATTTGAAAAAGGAAATCTCTCAAAGGAAACTAAAACAATTCTAA-3'